The following is an entry in ClinVar:

NM_000384.3(APOB):c.2431C>T (p.Gln811Ter)

Gene: APOB (apolipoprotein B; minus strand). Cytogenetic location: 2p24.1.
Variant type: single nucleotide variant.
Coding change: c.2431C>T on transcript NM_000384.3 (MANE Select); coding-DNA position 2431, C replaced by T.
Protein change: p.Gln811Ter; replaces glutamine 811 with a stop codon.
Molecular consequence: nonsense.
Genome position (GRCh38, 1-based): chr2:21,024,938, G>A on the plus strand (C>T on the coding strand, the complement: APOB is on the minus strand). VCF-style: chr2-21024938-G-A. GRCh37 (hg19) VCF-style: chr2-21247810-G-A.
Other names: p.Gln811*; short protein forms Q811*.
Identifiers: ClinVar variation 3381149 (VCV003381149.2).
Genomic context (GRCh38, chr2:21,024,938, plus strand): 5'-TAAAAAAAAACCAACGTCTGGTCTCATGGGCCCCCAGTGGGGCCTGCTGACTTACCATCT[G>A]GGGGATCCCCTGCAGAGTGCGGGCACCCATCAGAAGCAGCTTTCCCAGGAGCTGGAGGTC-3'

ClinVar aggregate classification (germline): Likely pathogenic (1 of 4 stars; one submission).

Conditions:
Familial hypercholesterolemia. Also called: Familial hypercholesterolaemia. Identifiers: MedGen C0020445, MONDO:0005439.

Submission:

Mayo Clinic Laboratories, Mayo Clinic
Classification: Likely pathogenic. Last evaluated: 2023-12-22. Review status: criteria provided, single submitter. Criteria: ACMG Guidelines, 2015. Collection method: clinical testing. Allele origin: germline. Observed: 1 variant allele.
Comment: PM2, PVS1

Literature cited by the submitters: PubMed 24288038 (cited by Mayo Clinic Laboratories, Mayo Clinic).